The following is an entry in ClinVar:

NM_004817.4(TJP2):c.782A>G (p.Tyr261Cys)

Gene: TJP2 (tight junction protein 2; plus strand). Cytogenetic location: 9q21.11.
Variant type: single nucleotide variant.
Coding change: c.782A>G on transcript NM_004817.4 (MANE Select); coding-DNA position 782, A replaced by G.
Protein change: p.Tyr261Cys; replaces tyrosine 261 with cysteine.
Molecular consequence: missense variant.
Genome position (GRCh38, 1-based): chr9:69,221,326, A>G. VCF-style: chr9-69221326-A-G. GRCh37 (hg19) VCF-style: chr9-71836242-A-G.
Other names: c.713A>G, p.Tyr238Cys (NM_001170414.2, NM_001369870.1, NM_001369871.1); c.794A>G, p.Tyr265Cys (NM_001170415.1, NM_001369874.1, NM_001369875.1); c.875A>G, p.Tyr292Cys (NM_001170416.2); c.782A>G, p.Tyr261Cys (NM_001369872.1, NM_001369873.1, NM_201629.3); short protein forms Y238C, Y261C, Y265C, Y292C.
Identifiers: ClinVar variation 1712887 (VCV001712887.2), dbSNP rs376454579, ClinGen allele CA5073098.

ClinVar aggregate classification (germline): Uncertain significance (1 of 4 stars; one submission).

Allele frequency attached by ClinVar (database versions not stated): ExAC 0.00002; gnomAD exomes 0.00002; ESP Exome Variant Server 0.00008.
gnomAD v4.1: 13 of 1,599,358 alleles (0.00081%); highest among the groups gnomAD compares: Non-Finnish European, 0.0011%; no homozygotes.

Submission:

GeneDx
Classification: Uncertain significance. Last evaluated: 2022-04-29. Review status: criteria provided, single submitter. Criteria: GeneDx Variant Classification Process June 2021. Collection method: clinical testing. Allele origin: germline. Affected: yes.
Comment: In silico analysis supports that this missense variant does not alter protein structure/function; Has not been previously published as pathogenic or benign to our knowledge